The following is an entry in ClinVar:

NM_030962.4(SBF2):c.514-12C>T

Gene: SBF2 (SET binding factor 2; minus strand). Cytogenetic location: 11p15.4.
Variant type: single nucleotide variant.
Coding change: c.514-12C>T on transcript NM_030962.4 (MANE Select); 12 bases into the intron before coding-DNA position 514, C replaced by T.
Molecular consequence: intron variant.
Genome position (GRCh38, 1-based): chr11:10,028,569, G>A on the plus strand (C>T on the coding strand, the complement: SBF2 is on the minus strand). VCF-style: chr11-10028569-G-A. GRCh37 (hg19) VCF-style: chr11-10050116-G-A.
Other names: c.514-12C>T (NM_001386342.1, NM_001386339.1).
Identifiers: ClinVar variation 301874 (VCV000301874.12), dbSNP rs770141264, ClinGen allele CA5882085.

ClinVar aggregate classification (germline): Conflicting classifications of pathogenicity. Review status: criteria provided, conflicting classifications (1 of 4 stars). 3 submissions from 3 submitters: Uncertain significance (1); Benign (1); Likely benign (1). Last evaluated 2025-12-03.

Conditions:
Charcot-Marie-Tooth disease type 4B2. Also called: CMT 4B2; Charcot-Marie-Tooth Neuropathy Type 4B2; CHARCOT-MARIE-TOOTH DISEASE, WITH FOCALLY FOLDED MYELIN SHEATHS, AUTOSOMAL RECESSIVE, TYPE 4B2; CHARCOT-MARIE-TOOTH DISEASE, DEMYELINATING, TYPE 4B2. Identifiers: Orphanet 99956, MedGen C1858278, MONDO:0011475, OMIM 604563.
Charcot-Marie-Tooth disease type 4. Also called: Charcot-Marie-Tooth disease, type IV; Charcot-Marie-Tooth, Type 4. Identifiers: Orphanet 64749, MedGen C4082197, MONDO:0018995.

Allele frequency attached by ClinVar (database versions not stated): TOPMed 0.00008; ExAC 0.00013; gnomAD 0.00015 and 0.00016; gnomAD exomes 0.00024.
gnomAD v4.1: 175 of 1,533,514 alleles (0.011%); highest among the groups gnomAD compares: Non-Finnish European, 0.0014%; 1 homozygote.

Submissions (3):

Labcorp Genetics (formerly Invitae), Labcorp
Classification: Benign for Charcot-Marie-Tooth disease type 4. Last evaluated: 2025-12-03. Review status: criteria provided, single submitter. Criteria: Invitae Variant Classification Sherloc (09022015). Collection method: clinical testing. Allele origin: germline.

GeneDx
Classification: Likely benign. Last evaluated: 2018-04-17. Review status: criteria provided, single submitter. Criteria: GeneDx Variant Classification (06012015). Collection method: clinical testing. Allele origin: germline. Affected: yes.
Comment: This variant is considered likely benign or benign based on one or more of the following criteria: it is a conservative change, it occurs at a poorly conserved position in the protein, it is predicted to be benign by multiple in silico algorithms, and/or has population frequency not consistent with disease.

Illumina Laboratory Services, Illumina
Classification: Uncertain significance for Charcot-Marie-Tooth disease type 4B2. Last evaluated: 2018-01-13. Review status: criteria provided, single submitter. Criteria: ICSL Variant Classification Criteria 13 December 2019. Collection method: clinical testing. Allele origin: germline.